The following is an entry in ClinVar:

NM_004946.3(DOCK2):c.470A>G (p.Lys157Arg)

Gene: DOCK2 (dedicator of cytokinesis 2; plus strand). Cytogenetic location: 5q35.1.
Variant type: single nucleotide variant.
Coding change: c.470A>G on transcript NM_004946.3 (MANE Select); coding-DNA position 470, A replaced by G.
Protein change: p.Lys157Arg; replaces lysine 157 with arginine.
Molecular consequence: missense variant. On other transcripts: non-coding transcript variant (1).
Genome position (GRCh38, 1-based): chr5:169,674,445, A>G. VCF-style: chr5-169674445-A-G. GRCh37 (hg19) VCF-style: chr5-169101449-A-G.
Other names: short protein forms K157R.
Identifiers: ClinVar variation 1441824 (VCV001441824.5), dbSNP rs371312059, ClinGen allele CA3553169.

ClinVar aggregate classification (germline): Uncertain significance (1 of 4 stars; one submission).

Conditions:
DOCK2 deficiency. Also called: Immunodeficiency 40. Identifiers: Orphanet 447737, MedGen C4225328, MONDO:0014637, OMIM 616433.

Allele frequency attached by ClinVar (database versions not stated): gnomAD exomes below 0.00001; ExAC 0.00001; TOPMed 0.00001; ESP Exome Variant Server 0.00008.
gnomAD v4.1: 8 of 1,614,122 alleles (0.0005%); highest among the groups gnomAD compares: African/African-American, 0.0053%; no homozygotes.

Submission:

Labcorp Genetics (formerly Invitae), Labcorp
Classification: Uncertain significance for DOCK2 deficiency. Last evaluated: 2022-11-01. Review status: criteria provided, single submitter. Criteria: Invitae Variant Classification Sherloc (09022015). Collection method: clinical testing. Allele origin: germline.
Comment: This sequence change replaces lysine, which is basic and polar, with arginine, which is basic and polar, at codon 157 of the DOCK2 protein (p.Lys157Arg). This variant is present in population databases (rs371312059, gnomAD 0.007%). This variant has not been reported in the literature in individuals affected with DOCK2-related conditions. ClinVar contains an entry for this variant (Variation ID: 1441824). Algorithms developed to predict the effect of missense changes on protein structure and function output the following: SIFT: "Tolerated"; PolyPhen-2: "Benign"; Align-GVGD: "Class C0". The arginine amino acid residue is found in multiple mammalian species, which suggests that this missense change does not adversely affect protein function. In summary, the available evidence is currently insufficient to determine the role of this variant in disease. Therefore, it has been classified as a Variant of Uncertain Significance.